The following is an entry in ClinVar:

ClinVar aggregate classification (germline): Uncertain significance (1 of 4 stars; one submission).

Conditions:
Bethlem myopathy 1A. Also called: MYOPATHY, BENIGN CONGENITAL, WITH CONTRACTURES; Bethlem Muscular Dystrophy; Bethlem myopathy 1. Identifiers: Orphanet 610, MedGen CN029274, MONDO:0024530, OMIM 158810.

Allele frequency attached by ClinVar (database versions not stated): gnomAD exomes below 0.00001; gnomAD 0.00001; TOPMed 0.00001.
gnomAD v4.1: 7 of 1,614,050 alleles (0.00043%); highest among the groups gnomAD compares: Non-Finnish European, 0.00059%; no homozygotes.

Submission:

Labcorp Genetics (formerly Invitae), Labcorp
Classification: Uncertain significance for Bethlem myopathy 1A. Last evaluated: 2024-06-13. Review status: criteria provided, single submitter. Criteria: Invitae Variant Classification Sherloc (09022015). Collection method: clinical testing. Allele origin: germline.
Comment: This sequence change replaces proline, which is neutral and non-polar, with serine, which is neutral and polar, at codon 970 of the COL6A3 protein (p.Pro970Ser). This variant is present in population databases (no rsID available, gnomAD 0.002%). This variant has not been reported in the literature in individuals affected with COL6A3-related conditions. ClinVar contains an entry for this variant (Variation ID: 1432482). Advanced modeling of protein sequence and biophysical properties (such as structural, functional, and spatial information, amino acid conservation, physicochemical variation, residue mobility, and thermodynamic stability) performed at Invitae indicates that this missense variant is not expected to disrupt COL6A3 protein function with a negative predictive value of 80%. In summary, the available evidence is currently insufficient to determine the role of this variant in disease. Therefore, it has been classified as a Variant of Uncertain Significance.

NM_004369.4(COL6A3):c.2908C>T (p.Pro970Ser)

Gene: COL6A3 (collagen type VI alpha 3 chain; minus strand). Cytogenetic location: 2q37.3.
Variant type: single nucleotide variant.
Coding change: c.2908C>T on transcript NM_004369.4 (MANE Select); coding-DNA position 2908, C replaced by T.
Protein change: p.Pro970Ser; replaces proline 970 with serine.
Molecular consequence: missense variant.
Genome position (GRCh38, 1-based): chr2:237,376,934, G>A on the plus strand (C>T on the coding strand, the complement: COL6A3 is on the minus strand). VCF-style: chr2-237376934-G-A. GRCh37 (hg19) VCF-style: chr2-238285577-G-A.
Other names: c.1687C>T, p.Pro563Ser (NM_057164.5); c.2290C>T, p.Pro764Ser (NM_057165.5, NM_057167.4); c.1087C>T, p.Pro363Ser (NM_057166.5); short protein forms P764S, P363S, P563S, P970S.
Identifiers: ClinVar variation 1432482 (VCV001432482.8), dbSNP rs1226873582, ClinGen allele CA351208945.